The following is an entry in ClinVar:

ClinVar aggregate classification (germline): Likely pathogenic (1 of 4 stars; one submission).

Conditions:
Dilated cardiomyopathy 1G (CMD1G). Identifiers: Orphanet 154, MedGen C1858763, MONDO:0011400, OMIM 604145.
Autosomal recessive limb-girdle muscular dystrophy type 2J (LGMDR10). Also called: Limb-girdle muscular dystrophy, type 2J; MUSCULAR DYSTROPHY, LIMB-GIRDLE, AUTOSOMAL RECESSIVE 10. Identifiers: Orphanet 140922, MedGen C1837342, MONDO:0012127, OMIM 608807.

Submission:

Labcorp Genetics (formerly Invitae), Labcorp
Classification: Likely pathogenic for Dilated cardiomyopathy 1G; Autosomal recessive limb-girdle muscular dystrophy type 2J. Last evaluated: 2025-04-01. Review status: criteria provided, single submitter. Criteria: Invitae Variant Classification Sherloc (09022015). Collection method: clinical testing. Allele origin: germline.
Comment: This sequence change creates a premature translational stop signal (p.Arg15634Glyfs*19) in the TTN gene. While this is not anticipated to result in nonsense mediated decay, it is expected to create a truncated TTN protein. This variant is not present in population databases (gnomAD no frequency). This variant has not been reported in the literature in individuals affected with TTN-related conditions. This variant is located in the I band of TTN (PMID: 25589632). Truncating variants in this region have been reported in individuals affected with autosomal recessive centronuclear myopathy (PMID: 23975875, internal data). Truncating variants in this region have also been identified in individuals affected with autosomal dominant dilated cardiomyopathy and/or cardio-related conditions (PMID: 27869827, 32964742, internal data). In summary, the currently available evidence indicates that the variant is pathogenic, but additional data are needed to prove that conclusively. Therefore, this variant has been classified as Likely Pathogenic.

Literature cited by the submitters: PubMed 25589632; PubMed 23975875; PubMed 27869827; PubMed 32964742.

NM_001267550.2(TTN):c.46896del (p.Arg15634fs)

Genes: TTN-AS1 (TTN antisense RNA 1; plus strand), TTN (titin; minus strand). Cytogenetic location: 2q31.2.
Variant type: Deletion.
Coding change: c.46896del on transcript NM_001267550.2 (MANE Select); coding-DNA position 46896, one base deleted (A; older notation c.46896delA).
Protein change: p.Arg15634fs; shifts the reading frame from arginine 15634.
Molecular consequence: frameshift variant.
Genome position (GRCh38, 1-based): chr2:178,618,654, T deleted on the plus strand (A on the coding strand, the reverse complement: TTN is on the minus strand); the first of 3 consecutive T bases (chr2:178,618,654-178,618,656); deleting any one gives the same sequence. VCF-style (leftmost placement, unchanged base first): chr2-178618653-CT-C. GRCh37 (hg19) VCF-style: chr2-179483380-CT-C.
Other names: c.41973del, p.Arg13993fs (NM_001256850.1); c.19701del, p.Arg6569fs (NM_003319.4); c.39192del, p.Arg13066fs (NM_133378.4); c.20076del, p.Arg6694fs (NM_133432.3); c.20277del, p.Arg6761fs (NM_133437.4); short protein forms R13066fs, R13993fs, R15634fs, R6569fs, R6694fs, R6761fs.
Identifiers: ClinVar variation 3760145 (VCV003760145.2).
Genomic context (GRCh38, chr2:178,618,653, plus strand): 5'-TTAAATTGATGAATCCTTCTGCTTTTCCATGTTTGTTCTGAAGCACAATTTTATACCTCC[CT>C]TTGTCTCCTTTCTTGGCTTCTAAAATTCTGAAAGAAGTTTGTTCAGCCGTAGTATCAATG-3'